The following is an entry in ClinVar:

GRCh37/hg19 5q32(chr5:147165102-147600692)x1

Genes: C5orf46 (chromosome 5 open reading frame 46; minus strand), SCGB3A2 (secretoglobin family 3A member 2; plus strand), SPINK1 (serine peptidase inhibitor Kazal type 1; minus strand), SPINK14 (serine peptidase inhibitor Kazal type 14 (putative); plus strand), SPINK5 (serine peptidase inhibitor Kazal type 5; plus strand) and 1 more. Cytogenetic location: 5q32.
Variant type: copy number loss.
Change: copy number 1 (one copy instead of two) of chr5:147,165,102-147,600,692 (435.6 kb, GRCh37 coordinates, 1-based), cytogenetic band 5q32.
Identifiers: ClinVar variation 2685176 (VCV002685176.1).

ClinVar aggregate classification (germline): Pathogenic (1 of 4 stars; one submission).

Submission:

Quest Diagnostics Nichols Institute San Juan Capistrano
Classification: Pathogenic. Last evaluated: 2022-07-21. Review status: criteria provided, single submitter. Criteria: ACMG/ClinGen CNV Guidelines, 2019. Collection method: clinical testing. Allele origin: unknown.
Comment: This 5q32 deletion involves six protein-coding genes. Haploinsufficiency of SPINK1 is associated with autosomal dominant hereditary pancreatitis (OMIM 167800, Masson 2006, Masson 2007). There are no similar copy number losses of this region in the general populations of the Database of Genomic Variants. Thus, based on current medical literature and gene content, this copy number variant (CNV) is classified as pathogenic. References: Masson et al., Eur J Hum Genet. 2006 Nov;14(11):1204-8. PMID: 16823394 Masson et al., Mol Genet Metab. 2007 Sep-Oct;92(1-2):168-75. PMID: 17681820